The following is an entry in ClinVar:

NM_001364905.1(LRBA):c.1189G>A (p.Asp397Asn)

Gene: LRBA (LPS responsive beige-like anchor protein; minus strand). Cytogenetic location: 4q31.3.
Variant type: single nucleotide variant.
Coding change: c.1189G>A on transcript NM_001364905.1 (MANE Select); coding-DNA position 1189, G replaced by A.
Protein change: p.Asp397Asn; replaces aspartic acid 397 with asparagine.
Molecular consequence: missense variant.
Genome position (GRCh38, 1-based): chr4:150,908,830, C>T on the plus strand (G>A on the coding strand, the complement: LRBA is on the minus strand). VCF-style: chr4-150908830-C-T. GRCh37 (hg19) VCF-style: chr4-151829982-C-T.
Other names: c.1189G>A, p.Asp397Asn (NM_006726.5, NM_001199282.3, NM_001367550.1); short protein forms D397N.
Identifiers: ClinVar variation 660740 (VCV000660740.11), dbSNP rs558200018, ClinGen allele CA3103637.

ClinVar aggregate classification (germline): Uncertain significance. Review status: criteria provided, multiple submitters, no conflicts (2 of 4 stars). 2 submissions from 2 submitters: Uncertain significance (2). Last evaluated 2023-10-13.

Conditions:
Combined immunodeficiency due to LRBA deficiency. Also called: Common variable immunodeficiency 8, with autoimmunity. Identifiers: Orphanet 445018, MedGen C3553512, MONDO:0013863, OMIM 614700.
Inborn genetic diseases. Identifiers: MedGen C0950123, MeSH D030342.

Allele frequency attached by ClinVar (database versions not stated): gnomAD 0.00001; gnomAD exomes 0.00001; TOPMed 0.00001; ExAC 0.00002; 1000 Genomes Project 30x 0.00016; 1000 Genomes Project 0.00020.
gnomAD v4.1: 6 of 1,613,004 alleles (0.00037%); highest among the groups gnomAD compares: African/African-American, 0.0027%; no homozygotes.

Submissions (2):

Ambry Genetics
Classification: Uncertain significance for Inborn genetic diseases. Last evaluated: 2023-10-13. Review status: criteria provided, single submitter. Criteria: Ambry Variant Classification Scheme 2023. Collection method: clinical testing. Allele origin: germline.

Labcorp Genetics (formerly Invitae), Labcorp
Classification: Uncertain significance for Combined immunodeficiency due to LRBA deficiency. Last evaluated: 2021-12-23. Review status: criteria provided, single submitter. Criteria: Invitae Variant Classification Sherloc (09022015). Collection method: clinical testing. Allele origin: germline.
Comment: ClinVar contains an entry for this variant (Variation ID: 660740). Algorithms developed to predict the effect of missense changes on protein structure and function are either unavailable or do not agree on the potential impact of this missense change (SIFT: "Tolerated"; PolyPhen-2: "Probably Damaging"; Align-GVGD: "Class C0"). In summary, the available evidence is currently insufficient to determine the role of this variant in disease. Therefore, it has been classified as a Variant of Uncertain Significance. This variant has not been reported in the literature in individuals affected with LRBA-related conditions. This sequence change replaces aspartic acid, which is acidic and polar, with asparagine, which is neutral and polar, at codon 397 of the LRBA protein (p.Asp397Asn). This variant is present in population databases (rs558200018, gnomAD 0.007%).